The following is an entry in ClinVar:

ClinVar aggregate classification (germline): Uncertain significance (1 of 4 stars; one submission).

Conditions:
Catecholaminergic polymorphic ventricular tachycardia 1. Also called: VENTRICULAR TACHYCARDIA, CATECHOLAMINERGIC POLYMORPHIC, 1, WITH OR WITHOUT ATRIAL DYSFUNCTION AND/OR DILATED CARDIOMYOPATHY; RYR2-Related Catecholaminergic Polymorphic Ventricular Tachycardia; VENTRICULAR TACHYCARDIA, STRESS-INDUCED POLYMORPHIC 1. Identifiers: Orphanet 3286, MedGen C1631597, MONDO:0011484, OMIM 604772.

Submission:

Labcorp Genetics (formerly Invitae), Labcorp
Classification: Uncertain significance for Catecholaminergic polymorphic ventricular tachycardia 1. Last evaluated: 2016-08-15. Review status: criteria provided, single submitter. Criteria: Invitae Variant Classification Sherloc (09022015). Collection method: clinical testing. Allele origin: germline.
Comment: Algorithms developed to predict the effect of missense changes on protein structure and function do not agree on the potential impact of this missense change (SIFT: "Deleterious"; PolyPhen-2: "Probably Damaging"; Align-GVGD: "Class C0"). In summary, this variant is a novel missense change with uncertain impact on protein function. It has been classified as a Variant of Uncertain Significance. This variant is not present in population databases (ExAC no frequency) and has not been reported in the literature in individuals with a RYR2-related disease. This sequence change replaces glutamic acid with lysine at codon 3848 of the RYR2 protein (p.Glu3848Lys). The glutamic acid residue is highly conserved and there is a small physicochemical difference between glutamic acid and lysine.

NM_001035.3(RYR2):c.11542G>A (p.Glu3848Lys)

Gene: RYR2 (ryanodine receptor 2; plus strand). Cytogenetic location: 1q43.
Variant type: single nucleotide variant.
Coding change: c.11542G>A on transcript NM_001035.3 (MANE Select); coding-DNA position 11542, G replaced by A.
Protein change: p.Glu3848Lys; replaces glutamic acid 3848 with lysine.
Molecular consequence: missense variant.
Genome position (GRCh38, 1-based): chr1:237,770,872, G>A. VCF-style: chr1-237770872-G-A. GRCh37 (hg19) VCF-style: chr1-237934172-G-A.
Other names: c.11542G>A, p.Glu3848Lys (LRG_402t1); short protein forms E3848K.
Identifiers: ClinVar variation 404231 (VCV000404231.48), dbSNP rs1060500166, ClinGen allele CA16610015.
Genomic context (GRCh38, chr1:237,770,872, plus strand): 5'-AAGGTTCTGCAGGACGATGAGTTCACCTGTGACCTCTTCCGATTCCTGCAACTACTCTGT[G>A]AGGGACACAACTCAGGTTTGTGAGTCCCCGGAACTTCTGATGATACTAAGGCATAAATAA-3'
Protein context (NP_001026.2, residues 3838-3858): DLFRFLQLLC[Glu3848Lys]GHNSDFQNYL